The following is an entry in ClinVar:

NM_000096.4(CP):c.2446G>A (p.Val816Ile)

Gene: CP (ceruloplasmin; minus strand). Cytogenetic location: 3q24.
Variant type: single nucleotide variant.
Coding change: c.2446G>A on transcript NM_000096.4 (MANE Select); coding-DNA position 2446, G replaced by A.
Protein change: p.Val816Ile; replaces valine 816 with isoleucine.
Molecular consequence: missense variant. On other transcripts: non-coding transcript variant (1).
Genome position (GRCh38, 1-based): chr3:149,182,113, C>T on the plus strand (G>A on the coding strand, the complement: CP is on the minus strand). VCF-style: chr3-149182113-C-T. GRCh37 (hg19) VCF-style: chr3-148899900-C-T.
Other names: short protein forms V816I.
Identifiers: ClinVar variation 665392 (VCV000665392.28), dbSNP rs139058165, ClinGen allele CA2660754.
Genomic context (GRCh38, chr3:149,182,113, plus strand): 5'-CATGTATTGAGTAGGGCCTTGTGGCCATGTTTTTAAAGATAATTTTGACTTTGTCTCCAA[C>T]ATCTGCATGAAGTTGTGGACCTGGCAAAAGTGAAGAGGAAGAGTGTCCAATCAGAAGGTC-3'
Protein context (NP_000087.2, residues 806-826): GILGPQLHAD[Val816Ile]GDKVKIIFKN

ClinVar aggregate classification (germline): Uncertain significance. Review status: criteria provided, multiple submitters, no conflicts (2 of 4 stars). 8 submissions from 8 submitters: Uncertain significance (6). 2 of the submissions do not count toward it. Last evaluated 2025-07-31.

Conditions:
Deficiency of ferroxidase (ACEP). Also called: NEURODEGENERATION WITH BRAIN IRON ACCUMULATION 10; Ceruloplasmin deficiency; Familial apoceruloplasmin deficiency; Hereditary ceruloplasmin deficiency; Aceruloplasminemia; Deficiency of ceruloplasmin. Identifiers: Orphanet 48818, MedGen C0878682, MONDO:0011426, OMIM 604290, HP:0025498.

Allele frequency attached by ClinVar (database versions not stated): 1000 Genomes Project 30x 0.00031; 1000 Genomes Project 0.00040; ExAC 0.00041; gnomAD 0.00042 and 0.00044; gnomAD exomes 0.00047 and 0.00063; TOPMed 0.00048; ESP Exome Variant Server 0.00054.
gnomAD v4.1: 984 of 1,613,128 alleles (0.061%); highest among the groups gnomAD compares: Non-Finnish European, 0.075%; no homozygotes.

Submissions (8):

GeneDx
Classification: Uncertain significance. Last evaluated: 2025-07-31. Review status: criteria provided, single submitter. Criteria: GeneDx Variant Classification Process June 2021. Collection method: clinical testing. Allele origin: germline.
Comment: Reported previously in a cohort of patients with Parkinson disease and not seen in controls (PMID: 20981230); In silico analysis suggests that this missense variant does not alter protein structure/function; This variant is associated with the following publications: (PMID: 20981230)

CeGaT Center for Human Genetics Tuebingen
Classification: Uncertain significance. Last evaluated: 2024-12-01. Review status: criteria provided, single submitter. Criteria: CeGaT Center For Human Genetics Tuebingen Variant Classification Criteria Version 2. Collection method: clinical testing. Allele origin: germline. Affected: yes. Observed: 1 variant allele.

Blueprint Genetics
Classification: Uncertain significance. Last evaluated: 2024-11-26. Review status: criteria provided, single submitter. Criteria: ACMG Guidelines, 2015. Collection method: clinical testing. Allele origin: germline.

Labcorp Genetics (formerly Invitae), Labcorp
Classification: Uncertain significance for Deficiency of ferroxidase. Last evaluated: 2022-10-17. Review status: criteria provided, single submitter. Criteria: Invitae Variant Classification Sherloc (09022015). Collection method: clinical testing. Allele origin: germline.
Comment: This sequence change replaces valine, which is neutral and non-polar, with isoleucine, which is neutral and non-polar, at codon 816 of the CP protein (p.Val816Ile). This variant is present in population databases (rs139058165, gnomAD 0.07%), and has an allele count higher than expected for a pathogenic variant. This variant has not been reported in the literature in individuals affected with CP-related conditions. ClinVar contains an entry for this variant (Variation ID: 665392). Advanced modeling of protein sequence and biophysical properties (such as structural, functional, and spatial information, amino acid conservation, physicochemical variation, residue mobility, and thermodynamic stability) performed at Invitae indicates that this missense variant is not expected to disrupt CP protein function. In summary, the available evidence is currently insufficient to determine the role of this variant in disease. Therefore, it has been classified as a Variant of Uncertain Significance.

Illumina Laboratory Services, Illumina
Classification: Uncertain significance for Deficiency of ferroxidase. Last evaluated: 2018-01-13. Review status: criteria provided, single submitter. Criteria: ICSL Variant Classification Criteria 13 December 2019. Collection method: clinical testing. Allele origin: germline.

Breakthrough Genomics
Classification: Uncertain significance. Review status: criteria provided, single submitter. Criteria: ACMG Guidelines, 2015. Collection method: not provided. Allele origin: germline. Inheritance: Autosomal recessive inheritance. Affected: yes.

Clinical Genetics DNA and cytogenetics Diagnostics Lab, Erasmus MC, Erasmus Medical Center
Classification: Likely benign. Review status: no assertion criteria provided. Collection method: clinical testing. Allele origin: germline. Affected: yes. Study: VKGL Data-share Consensus. Not counted in ClinVar's aggregate classification.

Genome Diagnostics Laboratory, Amsterdam University Medical Center
Classification: Likely benign. Review status: no assertion criteria provided. Collection method: clinical testing. Allele origin: germline. Affected: yes. Study: VKGL Data-share Consensus. Not counted in ClinVar's aggregate classification.